The following is an entry in ClinVar:

ClinVar aggregate classification (germline): Uncertain significance. Review status: criteria provided, multiple submitters, no conflicts (2 of 4 stars). 2 submissions from 2 submitters: Uncertain significance (2). Last evaluated 2025-06-01.

Allele frequency attached by ClinVar (database versions not stated): 1000 Genomes Project 30x 0.00016; ESP Exome Variant Server 0.00016; ExAC 0.00072.
gnomAD v4.1: 371 of 1,534,066 alleles (0.024%); highest among the groups gnomAD compares: Middle Eastern, 0.61%; 2 homozygotes.

Submissions (2):

CeGaT Center for Human Genetics Tuebingen
Classification: Uncertain significance. Last evaluated: 2025-06-01. Review status: criteria provided, single submitter. Criteria: CeGaT Center For Human Genetics Tuebingen Variant Classification Criteria Version 2. Collection method: clinical testing. Allele origin: germline. Affected: yes. Observed: 1 variant allele.
Comment: MED16: PM2:Supporting

Ambry Genetics
Classification: Uncertain significance. Last evaluated: 2021-07-20. Review status: criteria provided, single submitter. Criteria: Ambry Variant Classification Scheme 2023. Collection method: clinical testing. Allele origin: germline.

NM_005481.3(MED16):c.2101C>T (p.Arg701Cys)

Gene: MED16 (mediator complex subunit 16; minus strand). Cytogenetic location: 19p13.3.
Variant type: single nucleotide variant.
Coding change: c.2101C>T on transcript NM_005481.3 (MANE Select); coding-DNA position 2101, C replaced by T.
Protein change: p.Arg701Cys; replaces arginine 701 with cysteine.
Molecular consequence: missense variant.
Genome position (GRCh38, 1-based): chr19:871,251, G>A on the plus strand (C>T on the coding strand, the complement: MED16 is on the minus strand). VCF-style: chr19-871251-G-A. GRCh37 (hg19) VCF-style: chr19-871251-G-A.
Other names: short protein forms R701C.
Identifiers: ClinVar variation 2299940 (VCV002299940.10), dbSNP rs376733954, ClinGen allele CA9026825.